The following is an entry in ClinVar:

ClinVar aggregate classification (germline): Uncertain significance. Review status: criteria provided, multiple submitters, no conflicts (2 of 4 stars). 2 submissions from 2 submitters: Uncertain significance (2). Last evaluated 2024-12-09.

Conditions:
Inborn genetic diseases. Identifiers: MedGen C0950123, MeSH D030342.

Allele frequency attached by ClinVar (database versions not stated): ExAC 0.00001; gnomAD 0.00002; TOPMed 0.00004.
gnomAD v4.1: 75 of 1,613,432 alleles (0.0046%); highest among the groups gnomAD compares: Non-Finnish European, 0.006%; no homozygotes.

Submissions (2):

Ambry Genetics
Classification: Uncertain significance for Inborn genetic diseases. Last evaluated: 2024-12-09. Review status: criteria provided, single submitter. Criteria: Ambry Variant Classification Scheme 2023. Collection method: clinical testing. Allele origin: germline.

Labcorp Genetics (formerly Invitae), Labcorp
Classification: Uncertain significance. Last evaluated: 2022-08-11. Review status: criteria provided, single submitter. Criteria: Invitae Variant Classification Sherloc (09022015). Collection method: clinical testing. Allele origin: germline.
Comment: This sequence change replaces tyrosine, which is neutral and polar, with cysteine, which is neutral and slightly polar, at codon 256 of the MED17 protein (p.Tyr256Cys). This variant is present in population databases (rs761063422, gnomAD 0.007%). This variant has not been reported in the literature in individuals affected with MED17-related conditions. Algorithms developed to predict the effect of missense changes on protein structure and function (SIFT, PolyPhen-2, Align-GVGD) all suggest that this variant is likely to be disruptive. In summary, the available evidence is currently insufficient to determine the role of this variant in disease. Therefore, it has been classified as a Variant of Uncertain Significance.

NM_004268.5(MED17):c.767A>G (p.Tyr256Cys)

Gene: MED17 (mediator complex subunit 17; plus strand). Cytogenetic location: 11q21.
Variant type: single nucleotide variant.
Coding change: c.767A>G on transcript NM_004268.5 (MANE Select); coding-DNA position 767, A replaced by G.
Protein change: p.Tyr256Cys; replaces tyrosine 256 with cysteine.
Molecular consequence: missense variant.
Genome position (GRCh38, 1-based): chr11:93,793,857, A>G. VCF-style: chr11-93793857-A-G. GRCh37 (hg19) VCF-style: chr11-93527023-A-G.
Other names: c.767A>G (NM_004268.4); short protein forms Y256C.
Identifiers: ClinVar variation 2154387 (VCV002154387.2), dbSNP rs761063422, ClinGen allele CA6232404.